The following is an entry in ClinVar:

NM_006361.6(HOXB13):c.752C>T (p.Ala251Val)

Gene: HOXB13 (homeobox B13; minus strand). Cytogenetic location: 17q21.32.
Variant type: single nucleotide variant.
Coding change: c.752C>T on transcript NM_006361.6 (MANE Select); coding-DNA position 752, C replaced by T.
Protein change: p.Ala251Val; replaces alanine 251 with valine.
Molecular consequence: missense variant.
Genome position (GRCh38, 1-based): chr17:48,726,893, G>A on the plus strand (C>T on the coding strand, the complement: HOXB13 is on the minus strand). VCF-style: chr17-48726893-G-A. GRCh37 (hg19) VCF-style: chr17-46804255-G-A.
Other names: short protein forms A251V.
Identifiers: ClinVar variation 962132 (VCV000962132.14), dbSNP rs2038216726, ClinGen allele CA400106040.

ClinVar aggregate classification (germline): Uncertain significance. Review status: criteria provided, multiple submitters, no conflicts (2 of 4 stars). 3 submissions from 3 submitters: Uncertain significance (3). Last evaluated 2024-07-21.

Conditions:
Hereditary cancer-predisposing syndrome. Also called: Tumor predisposition; Hereditary neoplastic syndrome; Hereditary Cancer Syndrome; Neoplastic Syndromes, Hereditary. Identifiers: Orphanet 140162, MedGen C0027672, MeSH D009386, MONDO:0015356.

Submissions (3):

Labcorp Genetics (formerly Invitae), Labcorp
Classification: Uncertain significance. Last evaluated: 2024-07-21. Review status: criteria provided, single submitter. Criteria: Invitae Variant Classification Sherloc (09022015). Collection method: clinical testing. Allele origin: germline.
Comment: This sequence change replaces alanine, which is neutral and non-polar, with valine, which is neutral and non-polar, at codon 251 of the HOXB13 protein (p.Ala251Val). This variant is not present in population databases (gnomAD no frequency). This variant has not been reported in the literature in individuals affected with HOXB13-related conditions. ClinVar contains an entry for this variant (Variation ID: 962132). Advanced modeling of protein sequence and biophysical properties (such as structural, functional, and spatial information, amino acid conservation, physicochemical variation, residue mobility, and thermodynamic stability) performed at Invitae indicates that this missense variant is not expected to disrupt HOXB13 protein function with a negative predictive value of 80%. In summary, the available evidence is currently insufficient to determine the role of this variant in disease. Therefore, it has been classified as a Variant of Uncertain Significance.

Ambry Genetics
Classification: Uncertain significance for Hereditary cancer-predisposing syndrome. Last evaluated: 2023-04-11. Review status: criteria provided, single submitter. Criteria: Ambry Variant Classification Scheme 2023. Collection method: clinical testing. Allele origin: germline.
Comment: The p.A251V variant (also known as c.752C>T), located in coding exon 2 of the HOXB13 gene, results from a C to T substitution at nucleotide position 752. The alanine at codon 251 is replaced by valine, an amino acid with similar properties. This amino acid position is highly conserved in available vertebrate species. In addition, the in silico prediction for this alteration is inconclusive. Since supporting evidence is limited at this time, the clinical significance of this alteration remains unclear.

GeneDx
Classification: Uncertain significance. Last evaluated: 2022-05-06. Review status: criteria provided, single submitter. Criteria: GeneDx Variant Classification Process June 2021. Collection method: clinical testing. Allele origin: germline. Affected: yes.
Comment: Not observed at significant frequency in large population cohorts (gnomAD); In silico analysis supports that this missense variant has a deleterious effect on protein structure/function; Has not been previously published as pathogenic or benign to our knowledge; This variant is associated with the following publications: (PMID: 19389631, 8756292)